The following is an entry in ClinVar:

NM_004260.4(RECQL4):c.604C>G (p.Leu202Val)

Gene: RECQL4 (RecQ like helicase 4; minus strand). Cytogenetic location: 8q24.3.
Variant type: single nucleotide variant.
Coding change: c.604C>G on transcript NM_004260.4 (MANE Select); coding-DNA position 604, C replaced by G.
Protein change: p.Leu202Val; replaces leucine 202 with valine.
Molecular consequence: missense variant.
Genome position (GRCh38, 1-based): chr8:144,516,515, G>C on the plus strand (C>G on the coding strand, the complement: RECQL4 is on the minus strand). VCF-style: chr8-144516515-G-C. GRCh37 (hg19) VCF-style: chr8-145741899-G-C.
Other names: short protein forms L202V.
Identifiers: ClinVar variation 1019547 (VCV001019547.3), dbSNP rs61754062, ClinGen allele CA187689240.

ClinVar aggregate classification (germline): Uncertain significance (1 of 4 stars; one submission).

Conditions:
Baller-Gerold syndrome (BGS). Also called: CRANIOSYNOSTOSIS WITH RADIAL DEFECTS. Identifiers: Orphanet 1225, MedGen C0265308, MONDO:0009039, OMIM 218600.

gnomAD v4.1: 1 of 1,609,476 alleles (0.000062%); highest among the groups gnomAD compares: Non-Finnish European, 0.000085%; no homozygotes.

Submission:

Labcorp Genetics (formerly Invitae), Labcorp
Classification: Uncertain significance for Baller-Gerold syndrome. Last evaluated: 2024-10-29. Review status: criteria provided, single submitter. Criteria: Invitae Variant Classification Sherloc (09022015). Collection method: clinical testing. Allele origin: germline.
Comment: This sequence change replaces leucine, which is neutral and non-polar, with valine, which is neutral and non-polar, at codon 202 of the RECQL4 protein (p.Leu202Val). This variant is not present in population databases (gnomAD no frequency). This variant has not been reported in the literature in individuals affected with RECQL4-related conditions. ClinVar contains an entry for this variant (Variation ID: 1019547). Invitae Evidence Modeling of protein sequence and biophysical properties (such as structural, functional, and spatial information, amino acid conservation, physicochemical variation, residue mobility, and thermodynamic stability) indicates that this missense variant is not expected to disrupt RECQL4 protein function with a negative predictive value of 80%. In summary, the available evidence is currently insufficient to determine the role of this variant in disease. Therefore, it has been classified as a Variant of Uncertain Significance.